The following is an entry in ClinVar:

ClinVar aggregate classification (germline): Uncertain significance (1 of 4 stars; one submission).

Conditions:
Peroxisome biogenesis disorder 3A (Zellweger). Also called: Peroxisome biogenesis disorder 3A; PEROXISOMAL BIOGENESIS DISORDER 3A (ZELLWEGER). Identifiers: Orphanet 912, MedGen C3553929, MONDO:0013927, OMIM 614859.

Submission:

Labcorp Genetics (formerly Invitae), Labcorp
Classification: Uncertain significance for Peroxisome biogenesis disorder 3A (Zellweger). Last evaluated: 2023-10-03. Review status: criteria provided, single submitter. Criteria: Invitae Variant Classification Sherloc (09022015). Collection method: clinical testing. Allele origin: germline.
Comment: This sequence change replaces threonine, which is neutral and polar, with asparagine, which is neutral and polar, at codon 315 of the PEX12 protein (p.Thr315Asn). This variant is not present in population databases (gnomAD no frequency). This variant has not been reported in the literature in individuals affected with PEX12-related conditions. ClinVar contains an entry for this variant (Variation ID: 1524156). Advanced modeling of protein sequence and biophysical properties (such as structural, functional, and spatial information, amino acid conservation, physicochemical variation, residue mobility, and thermodynamic stability) performed at Invitae indicates that this missense variant is expected to disrupt PEX12 protein function. In summary, the available evidence is currently insufficient to determine the role of this variant in disease. Therefore, it has been classified as a Variant of Uncertain Significance.

NM_000286.3(PEX12):c.944C>A (p.Thr315Asn)

Gene: PEX12 (peroxisomal biogenesis factor 12; minus strand). Cytogenetic location: 17q12.
Variant type: single nucleotide variant.
Coding change: c.944C>A on transcript NM_000286.3 (MANE Select); coding-DNA position 944, C replaced by A.
Protein change: p.Thr315Asn; replaces threonine 315 with asparagine.
Molecular consequence: missense variant.
Genome position (GRCh38, 1-based): chr17:35,575,918, G>T on the plus strand (C>A on the coding strand, the complement: PEX12 is on the minus strand). VCF-style: chr17-35575918-G-T. GRCh37 (hg19) VCF-style: chr17-33902937-G-T.
Other names: short protein forms T315N.
Identifiers: ClinVar variation 1524156 (VCV001524156.6), dbSNP rs2142228884, ClinGen allele CA399137047.